The following is an entry in ClinVar:

NM_004523.4(KIF11):c.2195_2196del (p.Arg732fs)

Gene: KIF11 (kinesin family member 11; plus strand). Cytogenetic location: 10q23.33.
Variant type: Microsatellite.
Coding change: c.2195_2196del on transcript NM_004523.4 (MANE Select); coding-DNA positions 2195 to 2196, 2 bases deleted (GA; older notation c.2195_2196delGA).
Protein change: p.Arg732fs; shifts the reading frame from arginine 732.
Molecular consequence: frameshift variant.
Genome position (GRCh38, 1-based): chr10:92,639,828-92,639,829, GA deleted; deleting any 2 consecutive bases within chr10:92,639,823-92,639,829 gives the same sequence; the c. name uses the placement nearest the transcript's 3' end. VCF-style (leftmost placement, unchanged base first): chr10-92639822-CAG-C. GRCh37 (hg19) VCF-style: chr10-94399579-CAG-C.
Other names: short protein forms R732fs.
Identifiers: ClinVar variation 4622924 (VCV004622924.3).

ClinVar aggregate classification (germline): Pathogenic/Likely pathogenic. Review status: criteria provided, multiple submitters, no conflicts (2 of 4 stars). 3 submissions from 3 submitters: Pathogenic (2); Likely pathogenic (1). Last evaluated 2026-06-29.

Conditions:
Inborn genetic diseases. Identifiers: MedGen C0950123, MeSH D030342.
KIF11-related disorder. Also called: KIF11-related condition.
Microcephaly with or without chorioretinopathy, lymphedema, or impaired intellectual development. Also called: MICROCEPHALY, LYMPHEDEMA, CHORIORETINAL DYSPLASIA SYNDROME; Microcephaly lymphedema chorioretinal dysplasia; MICROCEPHALY AND CHORIORETINOPATHY WITH OR WITHOUT MENTAL RETARDATION, AUTOSOMAL DOMINANT; Microcephaly with or without chorioretinopathy, lymphedema, or mental retardation; Microcephaly with or without chorioretinopathy, lymphedema, or intellectual disability. Identifiers: Orphanet 2526, MedGen C1835265, MONDO:0007918, OMIM 152950.

Submissions (3):

Institute of Medical Genetics and Applied Genomics, University Hospital Tübingen
Classification: Pathogenic for Microcephaly with or without chorioretinopathy, lymphedema, or impaired intellectual development. Last evaluated: 2026-06-29. Review status: criteria provided, single submitter. Criteria: ACMG Guidelines, 2015. Collection method: clinical testing. Allele origin: de novo. Inheritance: Autosomal dominant inheritance. Affected: yes.

Ambry Genetics
Classification: Pathogenic for Inborn genetic diseases. Last evaluated: 2025-12-03. Review status: criteria provided, single submitter. Criteria: Ambry Variant Classification Scheme 2023. Collection method: clinical testing. Allele origin: germline.
Comment: The c.2195_2196delGA (p.R732Ifs*9) alteration, located in exon 17 (coding exon 17) of the KIF11 gene, consists of a deletion of 2 nucleotides from position 2195 to 2196, causing a translational frameshift with a predicted alternate stop codon after 9 amino acids. This alteration is expected to result in loss of function by premature protein truncation or nonsense-mediated mRNA decay. This variant was not reported in population-based cohorts in the Genome Aggregation Database (gnomAD). Based on the available evidence, this alteration is classified as pathogenic.

Blueprint Genetics
Classification: Likely pathogenic for KIF11-related disorders. Last evaluated: 2020-12-20. Review status: criteria provided, single submitter. Criteria: ACMG Guidelines, 2015. Collection method: clinical testing. Allele origin: germline. Affected: yes. Observed: 2 variant alleles.